The following is an entry in ClinVar:

NM_020312.4(COQ9):c.337G>A (p.Ala113Thr)

Gene: COQ9 (coenzyme Q9; plus strand). Cytogenetic location: 16q21.
Variant type: single nucleotide variant.
Coding change: c.337G>A on transcript NM_020312.4 (MANE Select); coding-DNA position 337, G replaced by A.
Protein change: p.Ala113Thr; replaces alanine 113 with threonine.
Molecular consequence: missense variant.
Genome position (GRCh38, 1-based): chr16:57,452,895, G>A. VCF-style: chr16-57452895-G-A. GRCh37 (hg19) VCF-style: chr16-57486807-G-A.
Other names: short protein forms A113T.
Identifiers: ClinVar variation 320008 (VCV000320008.24), dbSNP rs377307935, ClinGen allele CA8076155.

ClinVar aggregate classification (germline): Likely benign. Review status: criteria provided, multiple submitters, no conflicts (2 of 4 stars). 6 submissions from 6 submitters: Likely benign (5). 1 of the submissions does not count toward it. Last evaluated 2025-12-01.

Conditions:
Encephalopathy-hypertrophic cardiomyopathy-renal tubular disease syndrome. Identifiers: Orphanet 319678, MedGen C3553374, MONDO:0013840, OMIM 614654.
COQ9-related disorder. Also called: COQ9-related condition.

Allele frequency attached by ClinVar (database versions not stated): gnomAD 0.00001 and 0.00018; TOPMed 0.00005; ESP Exome Variant Server 0.00008; gnomAD exomes 0.00036 and 0.00072; ExAC 0.00075; 1000 Genomes Project 0.00180; 1000 Genomes Project 30x 0.00187.
gnomAD v4.1: 556 of 1,613,802 alleles (0.034%); highest among the groups gnomAD compares: South Asian, 0.56%; 6 homozygotes.

Submissions (6):

CeGaT Center for Human Genetics Tuebingen
Classification: Likely benign. Last evaluated: 2025-12-01. Review status: criteria provided, single submitter. Criteria: CeGaT Center For Human Genetics Tuebingen Variant Classification Criteria Version 2. Collection method: clinical testing. Allele origin: germline. Affected: yes. Observed: 1 variant allele.
Comment: COQ9: BP4

Labcorp Genetics (formerly Invitae), Labcorp
Classification: Likely benign. Last evaluated: 2025-11-16. Review status: criteria provided, single submitter. Criteria: Invitae Variant Classification Sherloc (09022015). Collection method: clinical testing. Allele origin: germline.

Blueprint Genetics
Classification: Likely benign. Last evaluated: 2024-11-07. Review status: criteria provided, single submitter. Criteria: ACMG Guidelines, 2015. Collection method: clinical testing. Allele origin: germline.

GeneDx
Classification: Likely benign. Last evaluated: 2021-01-06. Review status: criteria provided, single submitter. Criteria: GeneDx Variant Classification Process June 2021. Collection method: clinical testing. Allele origin: germline. Affected: yes.

Illumina Laboratory Services, Illumina
Classification: Likely benign for Encephalopathy-hypertrophic cardiomyopathy-renal tubular disease syndrome. Last evaluated: 2018-01-12. Review status: criteria provided, single submitter. Criteria: ICSL Variant Classification Criteria 13 December 2019. Collection method: clinical testing. Allele origin: germline.
Comment: This variant was observed in the ICSL laboratory as part of a predisposition screen in an ostensibly healthy population. It had not been previously curated by ICSL or reported in the Human Gene Mutation Database (HGMD: prior to June 1st, 2018), and was therefore a candidate for classification through an automated scoring system. Utilizing variant allele frequency, disease prevalence and penetrance estimates, and inheritance mode, an automated score was calculated to assess if this variant is too frequent to cause the disease. Based on the score and internal cut-off values, a variant classified as likely benign is not then subjected to further curation. The score for this variant resulted in a classification of likely benign for this disease.

PreventionGenetics, part of Exact Sciences
Classification: Likely benign for COQ9-related condition. Last evaluated: 2020-03-16. Review status: no assertion criteria provided. Collection method: clinical testing. Allele origin: germline. Not counted in ClinVar's aggregate classification.
Comment: This variant is classified as likely benign based on ACMG/AMP sequence variant interpretation guidelines (Richards et al. 2015 PMID: 25741868, with internal and published modifications).